The following is an entry in ClinVar:

ClinVar aggregate classification (germline): Conflicting classifications of pathogenicity. Review status: criteria provided, conflicting classifications (1 of 4 stars). 3 submissions from 3 submitters: Uncertain significance (1); Likely benign (1). 1 of the submissions does not count toward it. Last evaluated 2025-11-13.

Conditions:
TRPC5-related disorder. Also called: TRPC5-related condition.

Allele frequency attached by ClinVar (database versions not stated): ESP Exome Variant Server 0.00019; TOPMed 0.00026; ExAC 0.00027; gnomAD exomes 0.00050; gnomAD 0.00030.
gnomAD v4.1: 570 of 1,197,706 alleles (0.048%); highest among the groups gnomAD compares: Non-Finnish European, 0.062%; 2 homozygotes.

Submissions (3):

Ambry Genetics
Classification: Uncertain significance. Last evaluated: 2025-11-13. Review status: criteria provided, single submitter. Criteria: Ambry Variant Classification Scheme 2023. Collection method: clinical testing. Allele origin: germline.

CeGaT Center for Human Genetics Tuebingen
Classification: Likely benign. Last evaluated: 2023-01-01. Review status: criteria provided, single submitter. Criteria: CeGaT Center For Human Genetics Tuebingen Variant Classification Criteria Version 2. Collection method: clinical testing. Allele origin: germline. Affected: yes. Observed: 1 variant allele.
Comment: TRPC5: PP2, BS2

PreventionGenetics, part of Exact Sciences
Classification: Likely benign for TRPC5-related condition. Last evaluated: 2023-05-08. Review status: no assertion criteria provided. Collection method: clinical testing. Allele origin: germline. Not counted in ClinVar's aggregate classification.
Comment: This variant is classified as likely benign based on ACMG/AMP sequence variant interpretation guidelines (Richards et al. 2015 PMID: 25741868, with internal and published modifications).

NM_012471.3(TRPC5):c.2212C>A (p.Leu738Ile)

Gene: TRPC5 (transient receptor potential cation channel subfamily C member 5; minus strand). Cytogenetic location: Xq23.
Variant type: single nucleotide variant.
Coding change: c.2212C>A on transcript NM_012471.3 (MANE Select); coding-DNA position 2212, C replaced by A.
Protein change: p.Leu738Ile; replaces leucine 738 with isoleucine.
Molecular consequence: missense variant.
Genome position (GRCh38, 1-based): chrX:111,779,005, G>T on the plus strand (C>A on the coding strand, the complement: TRPC5 is on the minus strand). VCF-style: chrX-111779005-G-T. GRCh37 (hg19) VCF-style: chrX-111022233-G-T.
Other names: short protein forms L738I.
Identifiers: ClinVar variation 2661215 (VCV002661215.26), dbSNP rs145407228, ClinGen allele CA10494186.